The following is an entry in ClinVar:

NM_001080483.3(MYMK):c.517-4G>A

Gene: MYMK (myomaker, myoblast fusion factor; minus strand). Cytogenetic location: 9q34.2.
Variant type: single nucleotide variant.
Coding change: c.517-4G>A on transcript NM_001080483.3 (MANE Select); 4 bases into the intron before coding-DNA position 517, G replaced by A.
Molecular consequence: intron variant.
Genome position (GRCh38, 1-based): chr9:133,514,789, C>T on the plus strand (G>A on the coding strand, the complement: MYMK is on the minus strand). VCF-style: chr9-133514789-C-T. GRCh37 (hg19) VCF-style: chr9-136379911-C-T.
Identifiers: ClinVar variation 717731 (VCV000717731.5), dbSNP rs200945900, ClinGen allele CA5312149.

ClinVar aggregate classification (germline): Likely benign. Review status: criteria provided, multiple submitters, no conflicts (2 of 4 stars). 3 submissions from 3 submitters: Likely benign (3). Last evaluated 2025-11-21.

Conditions:
MYMK-related disorder. Also called: MYMK-related condition.
Inborn genetic diseases. Identifiers: MedGen C0950123, MeSH D030342.

Allele frequency attached by ClinVar (database versions not stated): gnomAD 0.00023 and 0.00024; gnomAD exomes 0.00024 and 0.00034; ExAC 0.00029; TOPMed 0.00032; ESP Exome Variant Server 0.00054.
gnomAD v4.1: 521 of 1,612,572 alleles (0.032%); highest among the groups gnomAD compares: Non-Finnish European, 0.041%; no homozygotes.

Submissions (3):

PreventionGenetics, part of Exact Sciences
Classification: Likely benign for MYMK-related condition. Last evaluated: 2025-11-21. Review status: criteria provided, single submitter. Criteria: ACMG Guidelines, 2015. Collection method: clinical testing. Allele origin: germline.
Comment: This variant is classified as likely benign based on ACMG/AMP sequence variant interpretation guidelines (Richards et al. 2015 PMID: 25741868, with internal and published modifications).

Ambry Genetics
Classification: Likely benign for Inborn genetic diseases. Last evaluated: 2022-05-06. Review status: criteria provided, single submitter. Criteria: Ambry Variant Classification Scheme 2023. Collection method: clinical testing. Allele origin: germline.

Labcorp Genetics (formerly Invitae), Labcorp
Classification: Likely benign. Last evaluated: 2018-06-26. Review status: criteria provided, single submitter. Criteria: Invitae Variant Classification Sherloc (09022015). Collection method: clinical testing. Allele origin: germline.